The following is an entry in ClinVar:

NM_177402.5(SYT2):c.1067T>C (p.Val356Ala)

Gene: SYT2 (synaptotagmin 2; minus strand). Cytogenetic location: 1q32.1.
Variant type: single nucleotide variant.
Coding change: c.1067T>C on transcript NM_177402.5 (MANE Select); coding-DNA position 1067, T replaced by C.
Protein change: p.Val356Ala; replaces valine 356 with alanine.
Molecular consequence: missense variant.
Genome position (GRCh38, 1-based): chr1:202,596,950, A>G on the plus strand (T>C on the coding strand, the complement: SYT2 is on the minus strand). VCF-style: chr1-202596950-A-G. GRCh37 (hg19) VCF-style: chr1-202566078-A-G.
Other names: c.1067T>C, p.Val356Ala (NM_001136504.1); short protein forms V356A.
Identifiers: ClinVar variation 3684764 (VCV003684764.2).

ClinVar aggregate classification (germline): Uncertain significance (1 of 4 stars; one submission).

gnomAD v4.1: 15 of 1,613,220 alleles (0.00093%); highest among the groups gnomAD compares: Non-Finnish European, 0.0013%; no homozygotes.

Submission:

Labcorp Genetics (formerly Invitae), Labcorp
Classification: Uncertain significance. Last evaluated: 2025-01-25. Review status: criteria provided, single submitter. Criteria: Invitae Variant Classification Sherloc (09022015). Collection method: clinical testing. Allele origin: germline.
Comment: This sequence change replaces valine, which is neutral and non-polar, with alanine, which is neutral and non-polar, at codon 356 of the SYT2 protein (p.Val356Ala). This variant is not present in population databases (gnomAD no frequency). This variant has not been reported in the literature in individuals affected with SYT2-related conditions. Invitae Evidence Modeling of protein sequence and biophysical properties (such as structural, functional, and spatial information, amino acid conservation, physicochemical variation, residue mobility, and thermodynamic stability) indicates that this missense variant is not expected to disrupt SYT2 protein function with a negative predictive value of 80%. In summary, the available evidence is currently insufficient to determine the role of this variant in disease. Therefore, it has been classified as a Variant of Uncertain Significance.